The following is an entry in ClinVar:

NM_002187.3(IL12B):c.301C>T (p.Leu101Phe)

Gene: IL12B (interleukin 12B; minus strand). Cytogenetic location: 5q33.3.
Variant type: single nucleotide variant.
Coding change: c.301C>T on transcript NM_002187.3 (MANE Select); coding-DNA position 301, C replaced by T.
Protein change: p.Leu101Phe; replaces leucine 101 with phenylalanine.
Molecular consequence: missense variant.
Genome position (GRCh38, 1-based): chr5:159,323,117, G>A on the plus strand (C>T on the coding strand, the complement: IL12B is on the minus strand). VCF-style: chr5-159323117-G-A. GRCh37 (hg19) VCF-style: chr5-158750125-G-A.
Other names: short protein forms L101F.
Identifiers: ClinVar variation 663990 (VCV000663990.9), dbSNP rs200722574, ClinGen allele CA3538849.

ClinVar aggregate classification (germline): Uncertain significance (1 of 4 stars; one submission).

Conditions:
Mendelian susceptibility to mycobacterial diseases due to complete IL12B deficiency. Also called: IL12B DEFICIENCY; Immunodeficiency 29. Identifiers: Orphanet 319558, MedGen C4013948, MONDO:0013954, OMIM 614890.

Allele frequency attached by ClinVar (database versions not stated): TOPMed 0.00005; gnomAD 0.00006 and 0.00007; ExAC 0.00007; gnomAD exomes 0.00010.
gnomAD v4.1: 79 of 1,614,154 alleles (0.0049%); highest among the groups gnomAD compares: Middle Eastern, 0.017%; no homozygotes.

Submission:

Labcorp Genetics (formerly Invitae), Labcorp
Classification: Uncertain significance for Mendelian susceptibility to mycobacterial diseases due to complete IL12B deficiency. Last evaluated: 2024-12-15. Review status: criteria provided, single submitter. Criteria: Invitae Variant Classification Sherloc (09022015). Collection method: clinical testing. Allele origin: germline.
Comment: This sequence change replaces leucine, which is neutral and non-polar, with phenylalanine, which is neutral and non-polar, at codon 101 of the IL12B protein (p.Leu101Phe). This variant is present in population databases (rs200722574, gnomAD 0.2%). This variant has not been reported in the literature in individuals affected with IL12B-related conditions. ClinVar contains an entry for this variant (Variation ID: 663990). Invitae Evidence Modeling of protein sequence and biophysical properties (such as structural, functional, and spatial information, amino acid conservation, physicochemical variation, residue mobility, and thermodynamic stability) indicates that this missense variant is not expected to disrupt IL12B protein function with a negative predictive value of 80%. In summary, the available evidence is currently insufficient to determine the role of this variant in disease. Therefore, it has been classified as a Variant of Uncertain Significance.